The following is an entry in ClinVar:

ClinVar aggregate classification (germline): Likely benign. Review status: criteria provided, multiple submitters, no conflicts (2 of 4 stars). 2 submissions from 2 submitters: Likely benign (2). Last evaluated 2025-11-01.

Allele frequency attached by ClinVar (database versions not stated): gnomAD exomes 0.00016 and 0.00002; ExAC 0.00023; 1000 Genomes Project 30x 0.00031; gnomAD 0.00005; TOPMed 0.00008; 1000 Genomes Project 0.00020.
gnomAD v4.1: 45 of 1,560,508 alleles (0.0029%); highest among the groups gnomAD compares: East Asian, 0.087%; no homozygotes.

Submissions (2):

Mayo Clinic Laboratories, Mayo Clinic
Classification: Likely benign. Last evaluated: 2025-11-01. Review status: criteria provided, single submitter. Criteria: ACMG Guidelines, 2015. Collection method: clinical testing. Allele origin: germline. Observed: 1 variant allele.
Comment: BS1, BP4

Labcorp Genetics (formerly Invitae), Labcorp
Classification: Likely benign. Last evaluated: 2023-06-27. Review status: criteria provided, single submitter. Criteria: Invitae Variant Classification Sherloc (09022015). Collection method: clinical testing. Allele origin: germline.

NM_020821.3(VPS13C):c.515A>G (p.Asp172Gly)

Gene: VPS13C (vacuolar protein sorting 13 homolog C; minus strand). Cytogenetic location: 15q22.2.
Variant type: single nucleotide variant.
Coding change: c.515A>G on transcript NM_020821.3 (MANE Select); coding-DNA position 515, A replaced by G.
Protein change: p.Asp172Gly; replaces aspartic acid 172 with glycine.
Molecular consequence: missense variant.
Genome position (GRCh38, 1-based): chr15:62,023,520, T>C on the plus strand (A>G on the coding strand, the complement: VPS13C is on the minus strand). VCF-style: chr15-62023520-T-C. GRCh37 (hg19) VCF-style: chr15-62315719-T-C.
Other names: p.Asp172Gly; c.515A>G, p.Asp172Gly (NM_001018088.3); c.386A>G, p.Asp129Gly (NM_017684.5, NM_018080.4); short protein forms D172G, D129G.
Identifiers: ClinVar variation 737725 (VCV000737725.7), dbSNP rs192865849, ClinGen allele CA7597481.